The following is an entry in ClinVar:

NM_006466.4(POLR3F):c.873+64C>G

Gene: POLR3F (RNA polymerase III subunit F; plus strand). Cytogenetic location: 20p11.23.
Variant type: single nucleotide variant.
Coding change: c.873+64C>G on transcript NM_006466.4 (MANE Select); 64 bases into the intron after coding-DNA position 873, C replaced by G.
Molecular consequence: intron variant.
Genome position (GRCh38, 1-based): chr20:18,481,874, C>G. VCF-style: chr20-18481874-C-G. GRCh37 (hg19) VCF-style: chr20-18462518-C-G.
Other names: c.750+64C>G (NM_001282526.2); c.729+64C>G (NM_001410821.1).
Identifiers: ClinVar variation 2687952 (VCV002687952.2), dbSNP rs6111983, ClinGen allele CA14833507.

ClinVar aggregate classification (germline): Benign (1 of 4 stars; one submission).

Allele frequency attached by ClinVar (database versions not stated): TOPMed 0.81364; 1000 Genomes Project 30x 0.81949; 1000 Genomes Project 0.81969.
gnomAD v4.1: 882,838 of 1,031,894 alleles (86%); highest among the groups gnomAD compares: South Asian, 91%; 378,878 homozygotes.

Submission:

Unidad de Genómica Garrahan, Hospital de Pediatría Garrahan
Classification: Benign. Last evaluated: 2024-01-24. Review status: criteria provided, single submitter. Criteria: ACMG Guidelines, 2015. Collection method: clinical testing. Allele origin: germline. Affected: no. Observed: 84 variant alleles.
Comment: This variant is classified as Benign based on local population frequency. This variant was detected in 88% of patients studied by a panel of primary immunodeficiencies. Number of patients: 84. Only high quality variants are reported.